The following is an entry in ClinVar:

NM_032043.3(BRIP1):c.510T>G (p.Ile170Met)

Gene: BRIP1 (BRCA1 interacting DNA helicase 1; minus strand). Cytogenetic location: 17q23.2.
Variant type: single nucleotide variant.
Coding change: c.510T>G on transcript NM_032043.3 (MANE Select); coding-DNA position 510, T replaced by G.
Protein change: p.Ile170Met; replaces isoleucine 170 with methionine.
Molecular consequence: missense variant.
Genome position (GRCh38, 1-based): chr17:61,847,218, A>C on the plus strand (T>G on the coding strand, the complement: BRIP1 is on the minus strand). VCF-style: chr17-61847218-A-C. GRCh37 (hg19) VCF-style: chr17-59924579-A-C.
Other names: short protein forms I170M.
Identifiers: ClinVar variation 1745409 (VCV001745409.6), dbSNP rs1372901008, ClinGen allele CA400483461.

ClinVar aggregate classification (germline): Uncertain significance. Review status: criteria provided, multiple submitters, no conflicts (2 of 4 stars). 2 submissions from 2 submitters: Uncertain significance (2). Last evaluated 2026-04-14.

Conditions:
Fanconi anemia complementation group J. Also called: BRIP1-Related Fanconi Anemia. Identifiers: Orphanet 84, MedGen C1836860, MONDO:0012187, OMIM 609054.
Familial cancer of breast. Also called: BREAST CANCER, FAMILIAL; Hereditary breast cancer; hereditary breast carcinoma. Identifiers: Orphanet 227535, MedGen C0346153, MONDO:0016419, OMIM 114480. Disease mechanism: loss of function.
Hereditary cancer-predisposing syndrome. Also called: Neoplastic Syndromes, Hereditary; Tumor predisposition; Hereditary Cancer Syndrome; Hereditary neoplastic syndrome. Identifiers: Orphanet 140162, MedGen C0027672, MeSH D009386, MONDO:0015356.

Allele frequency attached by ClinVar (database versions not stated): TOPMed 0.00001.

Submissions (2):

Ambry Genetics
Classification: Uncertain significance for Hereditary cancer-predisposing syndrome. Last evaluated: 2026-04-14. Review status: criteria provided, single submitter. Criteria: Ambry Variant Classification Scheme 2023. Collection method: clinical testing. Allele origin: germline.

Labcorp Genetics (formerly Invitae), Labcorp
Classification: Uncertain significance for Familial cancer of breast; Fanconi anemia complementation group J. Last evaluated: 2023-08-11. Review status: criteria provided, single submitter. Criteria: Invitae Variant Classification Sherloc (09022015). Collection method: clinical testing. Allele origin: germline.
Comment: In summary, the available evidence is currently insufficient to determine the role of this variant in disease. Therefore, it has been classified as a Variant of Uncertain Significance. Algorithms developed to predict the effect of missense changes on protein structure and function output the following: SIFT: "Not Available"; PolyPhen-2: "Benign"; Align-GVGD: "Not Available". The methionine amino acid residue is found in multiple mammalian species, which suggests that this missense change does not adversely affect protein function. ClinVar contains an entry for this variant (Variation ID: 1745409). This variant has not been reported in the literature in individuals affected with BRIP1-related conditions. This variant is not present in population databases (gnomAD no frequency). This sequence change replaces isoleucine, which is neutral and non-polar, with methionine, which is neutral and non-polar, at codon 170 of the BRIP1 protein (p.Ile170Met).